The following is an entry in ClinVar:

NM_005751.5(AKAP9):c.9729+1G>T

Gene: AKAP9 (A-kinase anchoring protein 9; plus strand). Cytogenetic location: 7q21.2.
Variant type: single nucleotide variant.
Coding change: c.9729+1G>T on transcript NM_005751.5 (MANE Select); the canonical splice donor site of the intron after coding-DNA position 9729, G replaced by T.
Molecular consequence: splice donor variant.
Genome position (GRCh38, 1-based): chr7:92,095,174, G>T. VCF-style: chr7-92095174-G-T. GRCh37 (hg19) VCF-style: chr7-91724488-G-T.
Other names: c.9705+1G>T (NM_147185.3); c.4374+1G>T (NM_001379277.1).
Identifiers: ClinVar variation 1469065 (VCV001469065.6), dbSNP rs1359935670, ClinGen allele CA368149925.

ClinVar aggregate classification (germline): Uncertain significance (1 of 4 stars; one submission).

Conditions:
Long QT syndrome (LQTS). Identifiers: MedGen C0023976, MeSH D008133, MONDO:0002442. Disease mechanism: loss of function. Inheritance: Various modes of inheritance.

Submission:

Labcorp Genetics (formerly Invitae), Labcorp
Classification: Uncertain significance for Long QT syndrome. Last evaluated: 2024-07-29. Review status: criteria provided, single submitter. Criteria: Invitae Variant Classification Sherloc (09022015). Collection method: clinical testing. Allele origin: germline.
Comment: This sequence change affects a donor splice site in intron 40 of the AKAP9 gene. It is expected to disrupt RNA splicing. Variants that disrupt the donor or acceptor splice site typically lead to a loss of protein function (PMID: 16199547), however the current clinical and genetic evidence is not sufficient to establish whether loss-of-function variants in AKAP9 cause disease. This variant is not present in population databases (gnomAD no frequency). This variant has not been reported in the literature in individuals affected with AKAP9-related conditions. ClinVar contains an entry for this variant (Variation ID: 1469065). Algorithms developed to predict the effect of sequence changes on RNA splicing suggest that this variant may disrupt the consensus splice site. In summary, the available evidence is currently insufficient to determine the role of this variant in disease. Therefore, it has been classified as a Variant of Uncertain Significance.

Literature cited by the submitters: PubMed 16199547.